The following is an entry in ClinVar:

ClinVar aggregate classification (germline): Likely benign. Review status: criteria provided, single submitter (1 of 4 stars). 2 submissions from 2 submitters: Likely benign (1). 1 of the submissions does not count toward it. Last evaluated 2025-09-04.

Conditions:
RAB27A-related disorder. Also called: RAB27A-related condition.
Griscelli syndrome type 2 (GS2). Also called: PAID SYNDROME; PARTIAL ALBINISM AND IMMUNODEFICIENCY SYNDROME; GRISCELLI SYNDROME WITH HEMOPHAGOCYTIC SYNDROME. Identifiers: Orphanet 381, Orphanet 79477, MedGen C1868679, MONDO:0011872, OMIM 607624.

Allele frequency attached by ClinVar (database versions not stated): ExAC 0.00001; gnomAD 0.00003; TOPMed 0.00003.
gnomAD v4.1: 30 of 1,567,856 alleles (0.0019%); highest among the groups gnomAD compares: Non-Finnish European, 0.0025%; no homozygotes.

Submissions (2):

Labcorp Genetics (formerly Invitae), Labcorp
Classification: Likely benign for Griscelli syndrome type 2. Last evaluated: 2025-09-04. Review status: criteria provided, single submitter. Criteria: Invitae Variant Classification Sherloc (09022015). Collection method: clinical testing. Allele origin: germline.

PreventionGenetics, part of Exact Sciences
Classification: Likely benign for RAB27A-related condition. Last evaluated: 2019-10-28. Review status: no assertion criteria provided. Collection method: clinical testing. Allele origin: germline. Not counted in ClinVar's aggregate classification.
Comment: This variant is classified as likely benign based on ACMG/AMP sequence variant interpretation guidelines (Richards et al. 2015 PMID: 25741868, with internal and published modifications).

NM_183235.3(RAB27A):c.343+10A>G

Gene: RAB27A (RAB27A, member RAS oncogene family; minus strand). Cytogenetic location: 15q21.3.
Variant type: single nucleotide variant.
Coding change: c.343+10A>G on transcript NM_183235.3 (MANE Select); 10 bases into the intron after coding-DNA position 343, A replaced by G.
Molecular consequence: intron variant.
Genome position (GRCh38, 1-based): chr15:55,228,599, T>C on the plus strand (A>G on the coding strand, the complement: RAB27A is on the minus strand). VCF-style: chr15-55228599-T-C. GRCh37 (hg19) VCF-style: chr15-55520797-T-C.
Other names: c.343+10A>G (NM_001438970.1, NM_001438977.1, NM_001438975.1 and 11 more transcripts).
Identifiers: ClinVar variation 2167097 (VCV002167097.6), dbSNP rs760058623, ClinGen allele CA7573610.